The following is an entry in ClinVar:

NM_178335.3(CCDC50):c.620C>T (p.Ser207Phe)

Gene: CCDC50 (coiled-coil domain containing 50; plus strand). Cytogenetic location: 3q28.
Variant type: single nucleotide variant.
Coding change: c.620C>T on transcript NM_178335.3 (MANE Select); coding-DNA position 620, C replaced by T.
Protein change: p.Ser207Phe; replaces serine 207 with phenylalanine.
Molecular consequence: missense variant. On other transcripts: intron variant (1).
Genome position (GRCh38, 1-based): chr3:191,375,233, C>T. VCF-style: chr3-191375233-C-T. GRCh37 (hg19) VCF-style: chr3-191093022-C-T.
Other names: c.449-4926C>T (NM_174908.4); short protein forms S207F.
Identifiers: ClinVar variation 3139180 (VCV003139180.3), dbSNP rs769257994, ClinGen allele CA2755293.
Genomic context (GRCh38, chr3:191,375,233, plus strand): 5'-CACTGGAGAACTTGGAAGAGCCAGAACAACATTGTTCATCGAAGAGATCCCTGTCATCCT[C>T]TAGCTCGGGCAAAGGGAGGGACAATCCCCATATTAACAATGAGCAGCATGAAAGGAAACG-3'
Protein context (NP_848018.1, residues 197-217): HCSSKRSLSS[Ser207Phe]SSGKGRDNPH

ClinVar aggregate classification (germline): Uncertain significance. Review status: criteria provided, multiple submitters, no conflicts (2 of 4 stars). 2 submissions from 2 submitters: Uncertain significance (2). Last evaluated 2024-08-21.

Allele frequency attached by ClinVar (database versions not stated): ExAC 0.00001.
gnomAD v4.1: 4 of 1,613,798 alleles (0.00025%); highest among the groups gnomAD compares: Middle Eastern, 0.017%; no homozygotes.

Submissions (2):

Labcorp Genetics (formerly Invitae), Labcorp
Classification: Uncertain significance. Last evaluated: 2024-08-21. Review status: criteria provided, single submitter. Criteria: Invitae Variant Classification Sherloc (09022015). Collection method: clinical testing. Allele origin: germline.
Comment: This sequence change replaces serine, which is neutral and polar, with phenylalanine, which is neutral and non-polar, at codon 207 of the CCDC50 protein (p.Ser207Phe). This variant is not present in population databases (gnomAD no frequency). This variant has not been reported in the literature in individuals affected with CCDC50-related conditions. An algorithm developed to predict the effect of missense changes on protein structure and function (PolyPhen-2) suggests that this variant is likely to be tolerated. In summary, the available evidence is currently insufficient to determine the role of this variant in disease. Therefore, it has been classified as a Variant of Uncertain Significance.

Ambry Genetics
Classification: Uncertain significance. Last evaluated: 2024-01-29. Review status: criteria provided, single submitter. Criteria: Ambry Variant Classification Scheme 2023. Collection method: clinical testing. Allele origin: germline.